The following is an entry in ClinVar:

NM_006914.4(RORB):c.598A>G (p.Asn200Asp)

Gene: RORB (RAR related orphan receptor B; plus strand). Cytogenetic location: 9q21.13.
Variant type: single nucleotide variant.
Coding change: c.598A>G on transcript NM_006914.4 (MANE Select); coding-DNA position 598, A replaced by G.
Protein change: p.Asn200Asp; replaces asparagine 200 with aspartic acid.
Molecular consequence: missense variant.
Genome position (GRCh38, 1-based): chr9:74,642,776, A>G. VCF-style: chr9-74642776-A-G. GRCh37 (hg19) VCF-style: chr9-77257692-A-G.
Other names: c.631A>G, p.Asn211Asp (NM_001365023.1); short protein forms N211D, N200D.
Identifiers: ClinVar variation 3692893 (VCV003692893.2).

ClinVar aggregate classification (germline): Uncertain significance (1 of 4 stars; one submission).

gnomAD v4.1: 2 of 1,608,748 alleles (0.00012%); highest among the groups gnomAD compares: South Asian, 0.0022%; no homozygotes.

Submission:

Labcorp Genetics (formerly Invitae), Labcorp
Classification: Uncertain significance. Last evaluated: 2024-12-02. Review status: criteria provided, single submitter. Criteria: Invitae Variant Classification Sherloc (09022015). Collection method: clinical testing. Allele origin: germline.
Comment: This sequence change replaces asparagine, which is neutral and polar, with aspartic acid, which is acidic and polar, at codon 200 of the RORB protein (p.Asn200Asp). This variant is not present in population databases (gnomAD no frequency). This variant has not been reported in the literature in individuals affected with RORB-related conditions. An algorithm developed to predict the effect of missense changes on protein structure and function (PolyPhen-2) suggests that this variant is likely to be tolerated. In summary, the available evidence is currently insufficient to determine the role of this variant in disease. Therefore, it has been classified as a Variant of Uncertain Significance.